The following is an entry in ClinVar:

ClinVar aggregate classification (germline): Pathogenic (1 of 4 stars; one submission).

Conditions:
Hypokalemic periodic paralysis, type 1. Also called: Hypokalemic Periodic Paralysis Type 1 (AD); HypoPP. Identifiers: Orphanet 681, MedGen C3714580, MONDO:0042979, OMIM 170400.
Malignant hyperthermia, susceptibility to, 5 (MHS5). Also called: CACNA1S-Related Malignant Hyperthermia Susceptibility. Identifiers: Orphanet 423, MedGen C1866077, MONDO:0011163, OMIM 601887.

Submission:

Labcorp Genetics (formerly Invitae), Labcorp
Classification: Pathogenic for Hypokalemic periodic paralysis, type 1; Malignant hyperthermia, susceptibility to, 5. Last evaluated: 2025-10-02. Review status: criteria provided, single submitter. Criteria: Invitae Variant Classification Sherloc (09022015). Collection method: clinical testing. Allele origin: germline.
Comment: This sequence change creates a premature translational stop signal (p.Thr1158Tyrfs*28) in the CACNA1S gene. It is expected to result in an absent or disrupted protein product. Loss-of-function variants in CACNA1S are known to be pathogenic (PMID: 26247046, 28012042). This variant is not present in population databases (gnomAD no frequency). This variant has not been reported in the literature in individuals affected with CACNA1S-related conditions. ClinVar contains an entry for this variant (Variation ID: 2012122). For these reasons, this variant has been classified as Pathogenic.

Literature cited by the submitters: PubMed 26247046; PubMed 28012042.

NM_000069.3(CACNA1S):c.3472_3473del (p.Thr1158fs)

Gene: CACNA1S (calcium voltage-gated channel subunit alpha1 S; minus strand). Cytogenetic location: 1q32.1.
Variant type: Deletion.
Coding change: c.3472_3473del on transcript NM_000069.3 (MANE Select); coding-DNA positions 3472 to 3473, 2 bases deleted (AC; older notation c.3472_3473delAC).
Protein change: p.Thr1158fs; shifts the reading frame from threonine 1158.
Molecular consequence: frameshift variant.
Genome position (GRCh38, 1-based): chr1:201,059,241-201,059,242, GT deleted on the plus strand (AC on the coding strand, the reverse complement: CACNA1S is on the minus strand); deleting any 2 consecutive bases within chr1:201,059,241-201,059,243 gives the same sequence; the c. name uses the placement nearest the transcript's 3' end. VCF-style (leftmost placement, unchanged base first): chr1-201059240-AGT-A. GRCh37 (hg19) VCF-style: chr1-201028368-AGT-A.
Other names: short protein forms T1158fs.
Identifiers: ClinVar variation 2012122 (VCV002012122.4), dbSNP rs2464489779, ClinGen allele CA2580061861.